The following is an entry in ClinVar:

NM_152906.7(TANGO2):c.719C>T (p.Thr240Ile)

Gene: TANGO2 (transport and golgi organization 2 homolog; plus strand). Cytogenetic location: 22q11.21.
Variant type: single nucleotide variant.
Coding change: c.719C>T on transcript NM_152906.7 (MANE Select); coding-DNA position 719, C replaced by T.
Protein change: p.Thr240Ile; replaces threonine 240 with isoleucine.
Molecular consequence: missense variant. On other transcripts: synonymous variant (6), 3 prime UTR variant (1), non-coding transcript variant (5).
Genome position (GRCh38, 1-based): chr22:20,064,550, C>T. VCF-style: chr22-20064550-C-T. GRCh37 (hg19) VCF-style: chr22-20052073-C-T.
Other names: c.719C>T, p.Thr240Ile (NM_001283106.3, NM_001283116.3); c.842C>T, p.Thr281Ile (NM_001283129.3, NM_001322143.2); c.717C>T, p.His239= (NM_001283148.3, NM_001283154.3); c.533C>T, p.Thr178Ile (NM_001283179.3, NM_001283186.3, NM_001322163.2 and 2 more transcripts); c.494C>T, p.Thr165Ile (NM_001283199.3); c.583C>T, p.Leu195= (NM_001283215.3); c.425C>T, p.Thr142Ile (NM_001283235.3, NM_001322171.2, NM_001322172.2 and 3 more transcripts); c.*55C>T (NM_001283248.3); and 9 more; short protein forms T142I, T219I, T178I, T281I, T333I, T165I, T206I, T258I.
Identifiers: ClinVar variation 1956109 (VCV001956109.3), dbSNP rs370778555, ClinGen allele CA410700480.

ClinVar aggregate classification (germline): Uncertain significance (1 of 4 stars; one submission).

Submission:

Labcorp Genetics (formerly Invitae), Labcorp
Classification: Uncertain significance. Last evaluated: 2023-12-13. Review status: criteria provided, single submitter. Criteria: Invitae Variant Classification Sherloc (09022015). Collection method: clinical testing. Allele origin: germline.
Comment: This sequence change replaces threonine, which is neutral and polar, with isoleucine, which is neutral and non-polar, at codon 240 of the TANGO2 protein (p.Thr240Ile). This variant is not present in population databases (gnomAD no frequency). This variant has not been reported in the literature in individuals affected with TANGO2-related conditions. ClinVar contains an entry for this variant (Variation ID: 1956109). An algorithm developed to predict the effect of missense changes on protein structure and function (PolyPhen-2) suggests that this variant is likely to be disruptive. In summary, the available evidence is currently insufficient to determine the role of this variant in disease. Therefore, it has been classified as a Variant of Uncertain Significance.